The following is an entry in ClinVar:

Conditions:
Long QT syndrome 5 (LQT5). Identifiers: Orphanet 101016, Orphanet 768, MedGen C1867904, MONDO:0013372, OMIM 613695.

Submission:

Roden Lab, Vanderbilt University Medical Center
No classification provided (evidence only). Condition: Long QT syndrome 5. Review status: no classification provided. Collection method: in vitro. Allele origin: not applicable. Functional consequence: Effect on ion channel function.
ClinVar note: "not provided" was previously submitted as the classification for the variant. However, the classification appeared to be based only on an observation of functional data so it was converted to no classification on 2025-07-30.

NM_000219.6(KCNE1):c.273C>A (p.Asp91Glu)

Gene: KCNE1 (potassium voltage-gated channel subfamily E regulatory subunit 1; minus strand). Cytogenetic location: 21q22.12.
Variant type: single nucleotide variant.
Coding change: c.273C>A on transcript NM_000219.6 (MANE Select); coding-DNA position 273, C replaced by A.
Protein change: p.Asp91Glu; replaces aspartic acid 91 with glutamic acid.
Molecular consequence: missense variant.
Genome position (GRCh38, 1-based): chr21:34,449,362, G>T on the plus strand (C>A on the coding strand, the complement: KCNE1 is on the minus strand). VCF-style: chr21-34449362-G-T. GRCh37 (hg19) VCF-style: chr21-35821660-G-T.
Other names: c.273C>A, p.Asp91Glu (NM_001127668.4, NM_001127669.4, NM_001127670.4 and 4 more transcripts); short protein forms D91E.
Identifiers: ClinVar variation 3374499 (VCV003374499.2).